The following is an entry in ClinVar:

ClinVar aggregate classification (germline): Uncertain significance (1 of 4 stars; one submission).

Conditions:
SYN1-related disorder. Also called: SYN1-related condition; SYN1-Related Disorders.

Submission:

PreventionGenetics, part of Exact Sciences
Classification: Uncertain significance for SYN1-related condition. Last evaluated: 2023-09-15. Review status: criteria provided, single submitter. Criteria: ACMG Guidelines, 2015. Collection method: clinical testing. Allele origin: germline.
Comment: The SYN1 c.41T>C variant is predicted to result in the amino acid substitution p.Met14Thr. To our knowledge, this variant has not been reported in the literature or in a large population database, indicating this variant is rare. At this time, the clinical significance of this variant is uncertain due to the absence of conclusive functional and genetic evidence.

NM_006950.3(SYN1):c.41T>C (p.Met14Thr)

Gene: SYN1 (synapsin I; minus strand). Cytogenetic location: Xp11.23.
Variant type: single nucleotide variant.
Coding change: c.41T>C on transcript NM_006950.3 (MANE Select); coding-DNA position 41, T replaced by C.
Protein change: p.Met14Thr; replaces methionine 14 with threonine.
Molecular consequence: missense variant.
Genome position (GRCh38, 1-based): chrX:47,619,688, A>G on the plus strand (T>C on the coding strand, the complement: SYN1 is on the minus strand). VCF-style: chrX-47619688-A-G. GRCh37 (hg19) VCF-style: chrX-47479087-A-G.
Other names: c.41T>C, p.Met14Thr (NM_133499.2); short protein forms M14T.
Identifiers: ClinVar variation 2630951 (VCV002630951.1), dbSNP rs2519712573, ClinGen allele CA412832260.
Genomic context (GRCh38, chrX:47,619,688, plus strand): 5'-GGCGGTGGGGGCGGCTGCGGACGCTGCAGGTCTGTCATGTACCCATTTGGCAGATTGGCC[A>G]TAAAGTTGCTGTCCGACAGGCGGCGCCGCAGGTAGTTCATGGCTGCGACTTGGGGCAGGG-3'
Protein context (NP_008881.2, residues 4-24): LRRRLSDSNF[Met14Thr]ANLPNGYMTD